The following is an entry in ClinVar:

NM_004006.3(DMD):c.1464C>T (p.Arg488=)

Gene: DMD (dystrophin; minus strand). Cytogenetic location: Xp21.1.
Variant type: single nucleotide variant.
Coding change: c.1464C>T on transcript NM_004006.3 (MANE Select); coding-DNA position 1464, C replaced by T.
Protein change: p.Arg488=; no amino-acid change (arginine 488 retained).
Molecular consequence: synonymous variant.
Genome position (GRCh38, 1-based): chrX:32,614,321, G>A on the plus strand (C>T on the coding strand, the complement: DMD is on the minus strand). VCF-style: chrX-32614321-G-A. GRCh37 (hg19) VCF-style: chrX-32632438-G-A.
Other names: c.1440C>T, p.Arg480= (NM_000109.4); c.1452C>T, p.Arg484= (NM_004009.3); c.1095C>T, p.Arg365= (NM_004010.3); c.1464C>T (NM_004006.2).
Identifiers: ClinVar variation 1114758 (VCV001114758.14), dbSNP rs771891715, ClinGen allele CA10379854.

ClinVar aggregate classification (germline): Likely benign. Review status: criteria provided, single submitter (1 of 4 stars). 3 submissions from 3 submitters: Likely benign (1). 2 of the submissions do not count toward it. Last evaluated 2026-01-14.

Conditions:
DMD-related disorder. Also called: DMD-related condition.
Dystrophin deficiency.
Becker muscular dystrophy (BMD). Also called: MUSCULAR DYSTROPHY, PSEUDOHYPERTROPHIC PROGRESSIVE, BECKER TYPE; Becker Muscular Dystrophy (BMD). Identifiers: Orphanet 98895, MedGen C0917713, MONDO:0010311, OMIM 300376.
Duchenne muscular dystrophy (DMD). Also called: Duchenne Muscular Dystrophy (DMD); MUSCULAR DYSTROPHY, PSEUDOHYPERTROPHIC PROGRESSIVE, DUCHENNE TYPE. Identifiers: Orphanet 98896, MedGen C0013264, MONDO:0010679, OMIM 310200.
Cardiomyopathy (CMYO). Also called: Cardiomyopathies. Identifiers: Orphanet 167848, MedGen C0878544, MONDO:0004994, HP:0001638. Inheritance: Various modes of inheritance.

Allele frequency attached by ClinVar (database versions not stated): 1000 Genomes Project 30x 0.00021; 1000 Genomes Project 0.00026; gnomAD 0.00001 and 0.00002; gnomAD exomes 0.00001 and 0.00004; TOPMed 0.00001; ExAC 0.00007.
gnomAD v4.1: 8 of 1,205,779 alleles (0.00066%); highest among the groups gnomAD compares: East Asian, 0.018%; no homozygotes.

Submissions (3):

Labcorp Genetics (formerly Invitae), Labcorp
Classification: Likely benign for Duchenne muscular dystrophy. Last evaluated: 2026-01-14. Review status: criteria provided, single submitter. Criteria: Invitae Variant Classification Sherloc (09022015). Collection method: clinical testing. Allele origin: germline.

Natera, Inc.
Classification: Likely benign for Becker muscular dystrophy; Cardiomyopathy; Duchenne muscular dystrophy; Dystrophin deficiency. Last evaluated: 2021-07-21. Review status: no assertion criteria provided. Collection method: clinical testing. Allele origin: germline. Not counted in ClinVar's aggregate classification.

PreventionGenetics, part of Exact Sciences
Classification: Likely benign for DMD-related condition. Last evaluated: 2019-11-12. Review status: no assertion criteria provided. Collection method: clinical testing. Allele origin: germline. Not counted in ClinVar's aggregate classification.
Comment: This variant is classified as likely benign based on ACMG/AMP sequence variant interpretation guidelines (Richards et al. 2015 PMID: 25741868, with internal and published modifications).